The following is an entry in ClinVar:

NM_005592.4(MUSK):c.441T>A (p.Asn147Lys)

Gene: MUSK (muscle associated receptor tyrosine kinase; plus strand). Cytogenetic location: 9q31.3.
Variant type: single nucleotide variant.
Coding change: c.441T>A on transcript NM_005592.4 (MANE Select); coding-DNA position 441, T replaced by A.
Protein change: p.Asn147Lys; replaces asparagine 147 with lysine.
Molecular consequence: missense variant.
Genome position (GRCh38, 1-based): chr9:110,695,485, T>A. VCF-style: chr9-110695485-T-A. GRCh37 (hg19) VCF-style: chr9-113457765-T-A.
Other names: c.441T>A, p.Asn147Lys (NM_001166280.2, NM_001166281.2); short protein forms N147K.
Identifiers: ClinVar variation 665328 (VCV000665328.6), dbSNP rs1476034971, ClinGen allele CA374665065.
Genomic context (GRCh38, chr9:110,695,485, plus strand): 5'-CATAAATGTGAAAATAATAGAGGGATTAAAAGCAGTCCTACCATGTACTACAATGGGTAA[T>A]CCCAAACCATCAGTGTCTTGGATAAAGGGAGACAGCCCTCTCAGGGTAAGTGGTTATGAT-3'
Protein context (NP_005583.1, residues 137-157): KAVLPCTTMG[Asn147Lys]PKPSVSWIKG

ClinVar aggregate classification (germline): Uncertain significance (1 of 4 stars; one submission).

Conditions:
Fetal akinesia deformation sequence 1 (FADS1). Also called: Fetal akinesia sequence; Pena-Shokeir syndrome type I. Identifiers: Orphanet 994, MedGen C1276035, MONDO:0100101, OMIM 208150, HP:0001989.
Congenital myasthenic syndrome 9. Also called: Myasthenic syndrome, congenital, 9, associated with acetylcholine receptor deficiency. Identifiers: Orphanet 590, MedGen C4225368, MONDO:0014587, OMIM 616325.

Allele frequency attached by ClinVar (database versions not stated): gnomAD exomes below 0.00001 and 0.00001; TOPMed below 0.00001.
gnomAD v4.1: 3 of 1,566,340 alleles (0.00019%); highest among the groups gnomAD compares: East Asian, 0.0047%; no homozygotes.

Submission:

Labcorp Genetics (formerly Invitae), Labcorp
Classification: Uncertain significance for Congenital myasthenic syndrome 9; Fetal akinesia deformation sequence 1. Last evaluated: 2021-08-31. Review status: criteria provided, single submitter. Criteria: Invitae Variant Classification Sherloc (09022015). Collection method: clinical testing. Allele origin: germline.
Comment: This sequence change replaces asparagine with lysine at codon 147 of the MUSK protein (p.Asn147Lys). The asparagine residue is highly conserved and there is a moderate physicochemical difference between asparagine and lysine. This variant is not present in population databases (ExAC no frequency). This variant has not been reported in the literature in individuals affected with MUSK-related conditions. Algorithms developed to predict the effect of missense changes on protein structure and function (SIFT, PolyPhen-2, Align-GVGD) all suggest that this variant is likely to be disruptive. In summary, the available evidence is currently insufficient to determine the role of this variant in disease. Therefore, it has been classified as a Variant of Uncertain Significance.